The following is an entry in ClinVar:

ClinVar aggregate classification (germline): Likely benign (1 of 4 stars; one submission).

gnomAD v4.1: 681 of 1,614,044 alleles (0.042%); highest among the groups gnomAD compares: African/African-American, 0.79%; 1 homozygote.

Submission:

CeGaT Center for Human Genetics Tuebingen
Classification: Likely benign. Last evaluated: 2026-04-01. Review status: criteria provided, single submitter. Criteria: CeGaT Center For Human Genetics Tuebingen Variant Classification Criteria Version 2. Collection method: clinical testing. Allele origin: germline. Affected: yes. Observed: 1 variant allele.
Comment: USP25: BP4, BP7

NM_001283041.3(USP25):c.2154G>A (p.Ala718=)

Gene: USP25 (ubiquitin specific peptidase 25; plus strand). Cytogenetic location: 21q21.1.
Variant type: single nucleotide variant.
Coding change: c.2154G>A on transcript NM_001283041.3 (MANE Select); coding-DNA position 2154, G replaced by A.
Protein change: p.Ala718=; no amino-acid change (alanine 718 retained).
Molecular consequence: synonymous variant.
Genome position (GRCh38, 1-based): chr21:15,833,508, G>A. VCF-style: chr21-15833508-G-A. GRCh37 (hg19) VCF-style: chr21-17205827-G-A.
Other names: c.942G>A, p.Ala314= (NM_001388301.1, NM_001388302.1, NM_001352561.2 and 1 more transcripts); c.2154G>A, p.Ala718= (NM_013396.6, NM_001283042.3); c.1491G>A, p.Ala497= (NM_001352560.2, NM_001388299.1).
Identifiers: ClinVar variation 4872488 (VCV004872488.2).